The following is an entry in ClinVar:

NM_001903.5(CTNNA1):c.1486C>G (p.Arg496Gly)

Gene: CTNNA1 (catenin alpha 1; plus strand). Cytogenetic location: 5q31.2.
Variant type: single nucleotide variant.
Coding change: c.1486C>G on transcript NM_001903.5 (MANE Select); coding-DNA position 1486, C replaced by G.
Protein change: p.Arg496Gly; replaces arginine 496 with glycine.
Molecular consequence: missense variant.
Genome position (GRCh38, 1-based): chr5:138,917,838, C>G. VCF-style: chr5-138917838-C-G. GRCh37 (hg19) VCF-style: chr5-138253527-C-G.
Other names: c.1486C>G, p.Arg496Gly (NM_001290307.3, NM_001323982.2, NM_001323983.1 and 2 more transcripts); c.1177C>G, p.Arg393Gly (NM_001290309.3); c.1117C>G, p.Arg373Gly (NM_001290310.3); c.376C>G, p.Arg126Gly (NM_001290312.1, NM_001323987.1, NM_001323988.1 and 17 more transcripts); c.1393C>G, p.Arg465Gly (NM_001323986.2); c.37C>G, p.Arg13Gly (NM_001324006.1, NM_001324007.1, NM_001324008.1 and 2 more transcripts); c.283C>G, p.Arg95Gly (NM_001324011.1); c.133C>G, p.Arg45Gly (NM_001324012.1, NM_001324013.1); short protein forms R45G, R95G, R465G, R373G, R496G, R126G, R13G, R393G.
Identifiers: ClinVar variation 1524099 (VCV001524099.8), dbSNP rs754789006, ClinGen allele CA361137301.

ClinVar aggregate classification (germline): Uncertain significance (1 of 4 stars; one submission).

Submission:

Labcorp Genetics (formerly Invitae), Labcorp
Classification: Uncertain significance. Last evaluated: 2024-10-26. Review status: criteria provided, single submitter. Criteria: Invitae Variant Classification Sherloc (09022015). Collection method: clinical testing. Allele origin: germline.
Comment: This sequence change replaces arginine, which is basic and polar, with glycine, which is neutral and non-polar, at codon 496 of the CTNNA1 protein (p.Arg496Gly). This variant is not present in population databases (gnomAD no frequency). This variant has not been reported in the literature in individuals affected with CTNNA1-related conditions. ClinVar contains an entry for this variant (Variation ID: 1524099). Invitae Evidence Modeling of protein sequence and biophysical properties (such as structural, functional, and spatial information, amino acid conservation, physicochemical variation, residue mobility, and thermodynamic stability) indicates that this missense variant is not expected to disrupt CTNNA1 protein function with a negative predictive value of 80%. In summary, the available evidence is currently insufficient to determine the role of this variant in disease. Therefore, it has been classified as a Variant of Uncertain Significance.